The following is an entry in ClinVar:

NM_000078.3(CETP):c.203T>C (p.Leu68Pro)

Gene: CETP (cholesteryl ester transfer protein; plus strand). Cytogenetic location: 16q13.
Variant type: single nucleotide variant.
Coding change: c.203T>C on transcript NM_000078.3 (MANE Select); coding-DNA position 203, T replaced by C.
Protein change: p.Leu68Pro; replaces leucine 68 with proline.
Molecular consequence: missense variant.
Genome position (GRCh38, 1-based): chr16:56,963,094, T>C. VCF-style: chr16-56963094-T-C. GRCh37 (hg19) VCF-style: chr16-56997006-T-C.
Other names: c.203T>C, p.Leu68Pro (NM_001286085.2); short protein forms L68P.
Identifiers: ClinVar variation 4809371 (VCV004809371.1).

ClinVar aggregate classification (germline): Uncertain significance (1 of 4 stars; one submission).

Submission:

Labcorp Genetics (formerly Invitae), Labcorp
Classification: Uncertain significance. Last evaluated: 2025-11-11. Review status: criteria provided, single submitter. Criteria: Invitae Variant Classification Sherloc (09022015). Collection method: clinical testing. Allele origin: germline.
Comment: This sequence change replaces leucine, which is neutral and non-polar, with proline, which is neutral and non-polar, at codon 68 of the CETP protein (p.Leu68Pro). This variant is not present in population databases (gnomAD no frequency). This variant has not been reported in the literature in individuals affected with CETP-related conditions. An algorithm developed to predict the effect of missense changes on protein structure and function (PolyPhen-2) suggests that this variant is likely to be disruptive. In summary, the available evidence is currently insufficient to determine the role of this variant in disease. Therefore, it has been classified as a Variant of Uncertain Significance.